The following is an entry in ClinVar:

NM_007294.4(BRCA1):c.3732T>G (p.His1244Gln)

Genes: BRCA1 (BRCA1 DNA repair associated; minus strand), LOC126862571 (BRD4-independent group 4 enhancer GRCh37_chr17:41243136-41244335; plus strand). Cytogenetic location: 17q21.31.
Variant type: single nucleotide variant.
Coding change: c.3732T>G on transcript NM_007294.4 (MANE Select); coding-DNA position 3732, T replaced by G.
Protein change: p.His1244Gln; replaces histidine 1244 with glutamine.
Molecular consequence: missense variant. On other transcripts: intron variant (135).
Genome position (GRCh38, 1-based): chr17:43,091,799, A>C on the plus strand (T>G on the coding strand, the complement: BRCA1 is on the minus strand). VCF-style: chr17-43091799-A-C. GRCh37 (hg19) VCF-style: chr17-41243816-A-C.
Other names: c.3732T>G, p.His1244Gln (NM_001407596.1, NM_001407597.1, NM_001407598.1 and 30 more transcripts); c.3729T>G, p.His1243Gln (NM_001407610.1, NM_001407611.1, NM_001407612.1 and 22 more transcripts); c.3519T>G, p.His1173Gln (NM_001407571.1, NM_001407915.1, NM_001407916.1 and 9 more transcripts); c.3591T>G, p.His1197Gln (NM_001407694.1, NM_001407695.1, NM_001407696.1 and 29 more transcripts); c.3588T>G, p.His1196Gln (NM_001407740.1, NM_001407741.1, NM_001407742.1 and 20 more transcripts); c.662-767T>G (NM_001408433.1, NM_001408446.1, NM_001408435.1 and 6 more transcripts); c.785-767T>G (NM_001408400.1, NM_001408392.1, NM_001407986.1 and 13 more transcripts); c.665-767T>G (NM_001408441.1, NM_001408437.1, NM_001408429.1 and 12 more transcripts); and 41 more; short protein forms H1076Q, H1116Q, H1117Q, H1132Q, H1133Q, H1155Q, H1156Q, H1173Q.
Identifiers: ClinVar variation 4856573 (VCV004856573.1).

ClinVar aggregate classification (germline): Likely benign (1 of 4 stars; one submission).

Conditions:
Breast-ovarian cancer, familial, susceptibility to, 1 (BROVCA1). Also called: OVARIAN CANCER, SUSCEPTIBILITY TO; BRCA1 Hereditary Breast and Ovarian Cancer. Identifiers: Orphanet 145, MedGen C2676676, MONDO:0011450, OMIM 604370. Disease mechanism: loss of function.

gnomAD v4.1: 1 of 1,614,206 alleles (0.000062%); highest among the groups gnomAD compares: Non-Finnish European, 0.000085%; no homozygotes.

Submission:

Cancer Bioinformatics and Tumour Evolution Laboratory, Monash University
Classification: Likely benign for Breast-ovarian cancer, familial, susceptibility to, 1. Last evaluated: 2026-05-01. Review status: criteria provided, single submitter. Criteria: ClinGen BRCA1 and BRCA2 Guidelines, 2024. Collection method: curation. Allele origin: germline. Inheritance: Autosomal dominant inheritance.
Comment: Missense variant outside of a functional domain with no splice impact. BRCA1 and BRCA2 VCEP guidelines recommend application of BP1_Strong (PMID: 39142283)